The following is an entry in ClinVar:

ClinVar aggregate classification (germline): Uncertain significance (1 of 4 stars; one submission).

Conditions:
Early-infantile DEE. Also called: Early infantile epileptic encephalopathy with suppression bursts; Early infantile epileptic encephalopathy; Ohtahara syndrome. Identifiers: Orphanet 1934, MedGen C0393706, MONDO:0800491.

Allele frequency attached by ClinVar (database versions not stated): gnomAD exomes below 0.00001 and 0.00001; ExAC 0.00001.
gnomAD v4.1: 4 of 1,614,096 alleles (0.00025%); highest among the groups gnomAD compares: Non-Finnish European, 0.00034%; no homozygotes.

Submission:

Labcorp Genetics (formerly Invitae), Labcorp
Classification: Uncertain significance for Early-infantile DEE. Last evaluated: 2024-02-24. Review status: criteria provided, single submitter. Criteria: Invitae Variant Classification Sherloc (09022015). Collection method: clinical testing. Allele origin: germline.
Comment: This sequence change replaces alanine, which is neutral and non-polar, with valine, which is neutral and non-polar, at codon 27 of the ST3GAL3 protein (p.Ala27Val). This variant is present in population databases (rs751825349, gnomAD 0.0009%). This missense change has been observed in individual(s) with autism (PMID: 35982160). ClinVar contains an entry for this variant (Variation ID: 941994). An algorithm developed to predict the effect of missense changes on protein structure and function (PolyPhen-2) suggests that this variant is likely to be tolerated. In summary, the available evidence is currently insufficient to determine the role of this variant in disease. Therefore, it has been classified as a Variant of Uncertain Significance.

Literature cited by the submitters: PubMed 35982160.

NM_006279.5(ST3GAL3):c.80C>T (p.Ala27Val)

Gene: ST3GAL3 (ST3 beta-galactoside alpha-2,3-sialyltransferase 3; plus strand). Cytogenetic location: 1p34.1.
Variant type: single nucleotide variant.
Coding change: c.80C>T on transcript NM_006279.5 (MANE Select); coding-DNA position 80, C replaced by T.
Protein change: p.Ala27Val; replaces alanine 27 with valine.
Molecular consequence: missense variant. On other transcripts: 5 prime UTR variant (1), non-coding transcript variant (8).
Genome position (GRCh38, 1-based): chr1:43,736,342, C>T. VCF-style: chr1-43736342-C-T. GRCh37 (hg19) VCF-style: chr1-44202013-C-T.
Other names: c.80C>T, p.Ala27Val (NM_001270459.2, NM_001270460.2, NM_001270461.3 and 17 more transcripts); c.-374C>T (NM_001350621.2); short protein forms A27V.
Identifiers: ClinVar variation 941994 (VCV000941994.10), dbSNP rs751825349, ClinGen allele CA814470.